The following is an entry in ClinVar:

NM_032120.4(RBM48):c.370G>C (p.Glu124Gln)

Gene: RBM48 (RNA binding motif protein 48; plus strand). Cytogenetic location: 7q21.2.
Variant type: single nucleotide variant.
Coding change: c.370G>C on transcript NM_032120.4 (MANE Select); coding-DNA position 370, G replaced by C.
Protein change: p.Glu124Gln; replaces glutamic acid 124 with glutamine.
Molecular consequence: missense variant. On other transcripts: 5 prime UTR variant (1).
Genome position (GRCh38, 1-based): chr7:92,532,471, G>C. VCF-style: chr7-92532471-G-C. GRCh37 (hg19) VCF-style: chr7-92161785-G-C.
Other names: c.370G>C, p.Glu124Gln (NM_001363366.1); c.-320G>C (NM_001363367.1); short protein forms E124Q.
Identifiers: ClinVar variation 2778566 (VCV002778566.3), dbSNP rs2484738335, ClinGen allele CA368208905.

ClinVar aggregate classification (germline): Uncertain significance (1 of 4 stars; one submission).

Submission:

Labcorp Genetics (formerly Invitae), Labcorp
Classification: Uncertain significance. Last evaluated: 2023-04-18. Review status: criteria provided, single submitter. Criteria: Invitae Variant Classification Sherloc (09022015). Collection method: clinical testing. Allele origin: germline.
Comment: In summary, the available evidence is currently insufficient to determine the role of this variant in disease. Therefore, it has been classified as a Variant of Uncertain Significance. Advanced modeling of protein sequence and biophysical properties (such as structural, functional, and spatial information, amino acid conservation, physicochemical variation, residue mobility, and thermodynamic stability) performed at Invitae indicates that this missense variant is expected to disrupt RBM48 protein function. This variant has not been reported in the literature in individuals affected with RBM48-related conditions. This variant is not present in population databases (gnomAD no frequency). This sequence change replaces glutamic acid, which is acidic and polar, with glutamine, which is neutral and polar, at codon 124 of the RBM48 protein (p.Glu124Gln).